The following is an entry in ClinVar:

ClinVar aggregate classification (germline): Uncertain significance (1 of 4 stars; one submission).

Submission:

GeneDx
Classification: Uncertain significance. Last evaluated: 2024-01-08. Review status: criteria provided, single submitter. Criteria: GeneDx Variant Classification Process June 2021. Collection method: clinical testing. Allele origin: germline. Affected: yes.
Comment: Not observed at significant frequency in large population cohorts (gnomAD); In silico analysis supports a deleterious effect on protein structure/function; Has not been previously published as pathogenic or benign to our knowledge

NM_000157.4(GBA1):c.798_802delinsGTGCT (p.Phe266_Ala268delinsLeuCysSer)

Genes: GBA1 (glucosylceramidase beta 1; minus strand), LOC106627981 (GBA recombination region; plus strand). Cytogenetic location: 1q22.
Variant type: Indel.
Coding change: c.798_802delinsGTGCT on transcript NM_000157.4 (MANE Select); coding-DNA positions 798 to 802, CTGGG replaced by GTGCT.
Protein change: p.Phe266_Ala268delinsLeuCysSer.
Molecular consequence: missense variant.
Genome position (GRCh38, 1-based): chr1:155,237,538-155,237,542, CCCAG replaced by AGCAC on the plus strand (CTGGG replaced by GTGCT on the coding strand, the reverse complement: GBA1 is on the minus strand). VCF-style: chr1-155237538-CCCAG-AGCAC. GRCh37 (hg19) VCF-style: chr1-155207329-CCCAG-AGCAC.
Other names: c.798_802delinsGTGCT, p.Phe266_Ala268delinsLeuCysSer (NM_001005741.3, NM_001005742.3); c.537_541delinsGTGCT, p.Phe179_Ala181delinsLeuCysSer (NM_001171811.2); c.651_655delinsGTGCT, p.Phe217_Ala219delinsLeuCysSer (NM_001171812.2).
Identifiers: ClinVar variation 3367713 (VCV003367713.1).